The following is an entry in ClinVar:

NM_006918.5(SC5D):c.652A>G (p.Ile218Val)

Gene: SC5D (sterol-C5-desaturase; plus strand). Cytogenetic location: 11q24.1.
Variant type: single nucleotide variant.
Coding change: c.652A>G on transcript NM_006918.5 (MANE Select); coding-DNA position 652, A replaced by G.
Protein change: p.Ile218Val; replaces isoleucine 218 with valine.
Molecular consequence: missense variant.
Genome position (GRCh38, 1-based): chr11:121,307,264, A>G. VCF-style: chr11-121307264-A-G. GRCh37 (hg19) VCF-style: chr11-121177973-A-G.
Other names: c.652A>G, p.Ile218Val (NM_001024956.3); short protein forms I218V.
Identifiers: ClinVar variation 4977659 (VCV004977659.1).
Genomic context (GRCh38, chr11:121,307,264, plus strand): 5'-TACATCTTGGTTAATATCTGGACAATTTCCATTCATGACGGTGATTTTCGTGTCCCCCAA[A>G]TCTTACAGCCATTTATTAATGGCTCAGCTCATCATACAGACCACCATATGTTCTTTGACT-3'
Protein context (NP_008849.2, residues 208-228): IHDGDFRVPQ[Ile218Val]LQPFINGSAH

ClinVar aggregate classification (germline): Likely benign (1 of 4 stars; one submission).

Conditions:
SC5D-related disorder. Also called: SC5D-related condition.

gnomAD v4.1: 152 of 1,614,128 alleles (0.0094%); highest among the groups gnomAD compares: South Asian, 0.17%; 1 homozygote.

Submission:

PreventionGenetics, part of Exact Sciences
Classification: Likely benign for SC5D-related condition. Last evaluated: 2026-09-05. Review status: criteria provided, single submitter. Criteria: ACMG Guidelines, 2015. Collection method: clinical testing. Allele origin: germline.
Comment: This variant is classified as likely benign based on ACMG/AMP sequence variant interpretation guidelines (Richards et al. 2015 PMID: 25741868, with internal and published modifications).